The following is an entry in ClinVar:

ClinVar aggregate classification (germline): Likely benign (0 of 4 stars; one submission).

Conditions:
ZC3H14-related disorder. Also called: ZC3H14-related condition.

Submission:

PreventionGenetics, part of Exact Sciences
Classification: Likely benign for ZC3H14-related condition. Last evaluated: 2020-10-23. Review status: no assertion criteria provided. Collection method: clinical testing. Allele origin: germline.
Comment: This variant is classified as likely benign based on ACMG/AMP sequence variant interpretation guidelines (Richards et al. 2015 PMID: 25741868, with internal and published modifications).

NM_024824.5(ZC3H14):c.153G>C (p.Leu51=)

Gene: ZC3H14 (zinc finger CCCH-type containing 14; plus strand). Cytogenetic location: 14q31.3.
Variant type: single nucleotide variant.
Coding change: c.153G>C on transcript NM_024824.5 (MANE Select); coding-DNA position 153, G replaced by C.
Protein change: p.Leu51=; no amino-acid change (leucine 51 retained).
Molecular consequence: synonymous variant. On other transcripts: non-coding transcript variant (1), intron variant (8).
Genome position (GRCh38, 1-based): chr14:88,568,112, G>C. VCF-style: chr14-88568112-G-C. GRCh37 (hg19) VCF-style: chr14-89034456-G-C.
Other names: c.153G>C, p.Leu51= (NM_001160103.2, NM_001160104.2, NM_001326295.2 and 9 more transcripts); c.51G>C, p.Leu17= (NM_001326297.2, NM_001326301.2, NM_001326303.2 and 3 more transcripts); c.-271-2972G>C (NM_001326300.2, NM_001326302.2, NM_001326308.2 and 5 more transcripts).
Identifiers: ClinVar variation 3032774 (VCV003032774.2), dbSNP rs955426931, ClinGen allele CA487285734.